The following is an entry in ClinVar:

ClinVar aggregate classification (germline): Conflicting classifications of pathogenicity. Review status: criteria provided, conflicting classifications (1 of 4 stars). 3 submissions from 3 submitters: Uncertain significance (2); Likely benign (1). Last evaluated 2025-12-29.

Conditions:
Hereditary cancer-predisposing syndrome. Also called: Neoplastic Syndromes, Hereditary; Hereditary Cancer Syndrome; Hereditary neoplastic syndrome; Tumor predisposition. Identifiers: Orphanet 140162, MedGen C0027672, MeSH D009386, MONDO:0015356.
Fanconi anemia complementation group O. Also called: RAD51C-Related Fanconi Anemia. Identifiers: Orphanet 84, MedGen C3150653, MONDO:0013248, OMIM 613390.

Submissions (3):

Center for Genomic Medicine, Rigshospitalet, Copenhagen University Hospital
Classification: Uncertain significance. Last evaluated: 2025-12-29. Review status: criteria provided, single submitter. Criteria: ACMG Guidelines, 2015. Collection method: clinical testing. Allele origin: germline.

Ambry Genetics
Classification: Likely benign for Hereditary cancer-predisposing syndrome. Last evaluated: 2025-10-17. Review status: criteria provided, single submitter. Criteria: Ambry Variant Classification Scheme 2023. Collection method: clinical testing. Allele origin: germline.

Labcorp Genetics (formerly Invitae), Labcorp
Classification: Uncertain significance for Fanconi anemia complementation group O. Last evaluated: 2022-04-08. Review status: criteria provided, single submitter. Criteria: Invitae Variant Classification Sherloc (09022015). Collection method: clinical testing. Allele origin: germline.
Comment: This sequence change replaces tyrosine, which is neutral and polar, with cysteine, which is neutral and slightly polar, at codon 216 of the RAD51C protein (p.Tyr216Cys). This variant is not present in population databases (gnomAD no frequency). This variant has not been reported in the literature in individuals affected with RAD51C-related conditions. ClinVar contains an entry for this variant (Variation ID: 826429). Algorithms developed to predict the effect of missense changes on protein structure and function are either unavailable or do not agree on the potential impact of this missense change (SIFT: "Deleterious"; PolyPhen-2: "Benign"; Align-GVGD: "Class C45"). In summary, the available evidence is currently insufficient to determine the role of this variant in disease. Therefore, it has been classified as a Variant of Uncertain Significance.

Literature cited by the submitters: PubMed 33471991 (cited by Ambry Genetics).

NM_058216.3(RAD51C):c.647A>G (p.Tyr216Cys)

Genes: RAD51C (RAD51 paralog C; plus strand), LOC129390903 (MPRA-validated peak2919 silencer; plus strand). Cytogenetic location: 17q22.
Variant type: single nucleotide variant.
Coding change: c.647A>G on transcript NM_058216.3 (MANE Select); coding-DNA position 647, A replaced by G.
Protein change: p.Tyr216Cys; replaces tyrosine 216 with cysteine.
Molecular consequence: missense variant. On other transcripts: non-coding transcript variant (1).
Genome position (GRCh38, 1-based): chr17:58,703,271, A>G. VCF-style: chr17-58703271-A-G. GRCh37 (hg19) VCF-style: chr17-56780632-A-G.
Other names: short protein forms Y216C.
Identifiers: ClinVar variation 826429 (VCV000826429.10), dbSNP rs746755735, ClinGen allele CA400349640.